The following is an entry in ClinVar:

ClinVar aggregate classification (germline): Uncertain significance (1 of 4 stars; one submission).

Submission:

Labcorp Genetics (formerly Invitae), Labcorp
Classification: Uncertain significance. Last evaluated: 2025-06-03. Review status: criteria provided, single submitter. Criteria: Invitae Variant Classification Sherloc (09022015). Collection method: clinical testing. Allele origin: germline.
Comment: This sequence change falls in intron 17 of the POLE gene. It does not directly change the encoded amino acid sequence of the POLE protein. It affects a nucleotide within the consensus splice site. This variant is not present in population databases (gnomAD no frequency). This variant has not been reported in the literature in individuals affected with POLE-related conditions. Variants that disrupt the consensus splice site are a relatively common cause of aberrant splicing (PMID: 17576681, 9536098). In summary, the available evidence is currently insufficient to determine the role of this variant in disease. Therefore, it has been classified as a Variant of Uncertain Significance.

Literature cited by the submitters: PubMed 17576681; PubMed 9536098.

NM_006231.4(POLE):c.1917_1923+5dup

Gene: POLE (DNA polymerase epsilon, catalytic subunit; minus strand). Cytogenetic location: 12q24.33.
Variant type: Duplication.
Coding change: c.1917_1923+5dup on transcript NM_006231.4 (MANE Select); coding-DNA position 1917 through 5 bases into the intron after coding-DNA position 1923, 12 bases duplicated (CCTGCAGGTGAG).
Molecular consequence: splice donor variant.
Genome position (GRCh38, 1-based): chr12:132,668,806-132,668,817, CTCACCTGCAGG duplicated on the plus strand (CCTGCAGGTGAG on the coding strand, the reverse complement: POLE is on the minus strand); duplicating any 12 consecutive bases within chr12:132,668,806-132,668,818 gives the same sequence; the c. name uses the placement nearest the transcript's 3' end. VCF-style (leftmost placement, unchanged base first): chr12-132668805-T-TCTCACCTGCAGG. GRCh37 (hg19) VCF-style: chr12-133245391-T-TCTCACCTGCAGG.
Identifiers: ClinVar variation 4720637 (VCV004720637.1).
Genomic context (GRCh38, chr12:132,668,805, plus strand): 5'-GGGTGAGAAAGCACTTAGGGCTGGGCAGAGAGAGCTCCGACTCTGACACGGGAAGTAAAG[T>TCTCACCTGCAGG]CTCACCTGCAGGCGGTTGGTCAGGATGATGTTGGGGTACATGGCCCCCACGTCCAGGTGG-3'